The following is an entry in ClinVar:

NM_025137.4(SPG11):c.6813G>A (p.Leu2271=)

Gene: SPG11 (SPG11 vesicle trafficking associated, spatacsin; minus strand). Cytogenetic location: 15q21.1.
Variant type: single nucleotide variant.
Coding change: c.6813G>A on transcript NM_025137.4 (MANE Select); coding-DNA position 6813, G replaced by A.
Protein change: p.Leu2271=; no amino-acid change (leucine 2271 retained).
Molecular consequence: synonymous variant.
Genome position (GRCh38, 1-based): chr15:44,566,247, C>T on the plus strand (G>A on the coding strand, the complement: SPG11 is on the minus strand). VCF-style: chr15-44566247-C-T. GRCh37 (hg19) VCF-style: chr15-44858445-C-T.
Other names: p.Leu2271=; c.6474G>A, p.Leu2158= (NM_001160227.2); c.6669G>A, p.Leu2223= (NM_001411132.1).
Identifiers: ClinVar variation 4683971 (VCV004683971.1).
Genomic context (GRCh38, chr15:44,566,247, plus strand): 5'-AGGCCAGTCTGAAAAAAGCCTTTGGGTTACCTTGGCATAACTCTCTGCTGCATCCAACAT[C>T]AGAGTCAGGGCCTTCAGCAGCAGTTGTTTCAGCTGGTGCCCATCCTTGAGGCTGTCCTCT-3'
Protein context (NP_079413.3, residues 2261-2281): LKQLLLKALT[Leu2271=]MLDAAESYAK

ClinVar aggregate classification (germline): Likely benign (1 of 4 stars; one submission).

gnomAD v4.1: 1 of 1,614,228 alleles (0.000062%); highest among the groups gnomAD compares: Non-Finnish European, 0.000085%; no homozygotes.

Submission:

Mayo Clinic Laboratories, Mayo Clinic
Classification: Likely benign. Last evaluated: 2025-07-14. Review status: criteria provided, single submitter. Criteria: ACMG Guidelines, 2015. Collection method: clinical testing. Allele origin: germline. Observed: 1 variant allele.
Comment: BP4, BP7